The following is an entry in ClinVar:

NM_033159.4(HYAL1):c.156T>A (p.Asp52Glu)

Gene: HYAL1 (hyaluronidase 1; minus strand). Cytogenetic location: 3p21.31.
Variant type: single nucleotide variant.
Coding change: c.156T>A on transcript NM_033159.4 (MANE Select); coding-DNA position 156, T replaced by A.
Protein change: p.Asp52Glu; replaces aspartic acid 52 with glutamic acid.
Molecular consequence: missense variant. On other transcripts: non-coding transcript variant (1), intron variant (2).
Genome position (GRCh38, 1-based): chr3:50,302,801, A>T on the plus strand (T>A on the coding strand, the complement: HYAL1 is on the minus strand). VCF-style: chr3-50302801-A-T. GRCh37 (hg19) VCF-style: chr3-50340232-A-T.
Other names: c.156T>A, p.Asp52Glu (NM_007312.3, NM_153281.2, NM_153282.3); c.-26-596T>A (NM_153285.3); c.-213-178T>A (NM_153283.3); short protein forms D52E.
Identifiers: ClinVar variation 2053831 (VCV002053831.3), dbSNP rs2470852569, ClinGen allele CA352896954.

ClinVar aggregate classification (germline): Uncertain significance (1 of 4 stars; one submission).

Conditions:
Deficiency of hyaluronoglucosaminidase (MPS9). Also called: MPS IX; Mucopolysaccharidosis type 9; HYALURONIDASE DEFICIENCY. Identifiers: Orphanet 67041, MedGen C1291490, MONDO:0011093, OMIM 601492.

Submission:

Labcorp Genetics (formerly Invitae), Labcorp
Classification: Uncertain significance for Deficiency of hyaluronoglucosaminidase. Last evaluated: 2024-10-26. Review status: criteria provided, single submitter. Criteria: Invitae Variant Classification Sherloc (09022015). Collection method: clinical testing. Allele origin: germline.
Comment: This sequence change replaces aspartic acid, which is acidic and polar, with glutamic acid, which is acidic and polar, at codon 52 of the HYAL1 protein (p.Asp52Glu). This variant is not present in population databases (gnomAD no frequency). This variant has not been reported in the literature in individuals affected with HYAL1-related conditions. ClinVar contains an entry for this variant (Variation ID: 2053831). An algorithm developed to predict the effect of missense changes on protein structure and function (PolyPhen-2) suggests that this variant is likely to be disruptive. In summary, the available evidence is currently insufficient to determine the role of this variant in disease. Therefore, it has been classified as a Variant of Uncertain Significance.